The following is an entry in ClinVar:

NM_000342.4(SLC4A1):c.168+1G>C

Gene: SLC4A1 (solute carrier family 4 member 1 (Diego blood group); minus strand). Cytogenetic location: 17q21.31.
Variant type: single nucleotide variant.
Coding change: c.168+1G>C on transcript NM_000342.4 (MANE Select); the canonical splice donor site of the intron after coding-DNA position 168, G replaced by C.
Molecular consequence: splice donor variant.
Genome position (GRCh38, 1-based): chr17:44,261,574, C>G on the plus strand (G>C on the coding strand, the complement: SLC4A1 is on the minus strand). VCF-style: chr17-44261574-C-G. GRCh37 (hg19) VCF-style: chr17-42338942-C-G.
Other names: p.?.
Identifiers: ClinVar variation 4542180 (VCV004542180.1).

ClinVar aggregate classification (germline): Likely pathogenic (1 of 4 stars; one submission).

Submission:

Mayo Clinic Laboratories, Mayo Clinic
Classification: Likely pathogenic. Last evaluated: 2025-07-15. Review status: criteria provided, single submitter. Criteria: ACMG Guidelines, 2015. Collection method: clinical testing. Allele origin: germline. Observed: 1 variant allele.
Comment: PM2_supporting, PVS1